The following is an entry in ClinVar:

NM_170606.3(KMT2C):c.7375C>A (p.Pro2459Thr)

Gene: KMT2C (lysine methyltransferase 2C; minus strand). Cytogenetic location: 7q36.1.
Variant type: single nucleotide variant.
Coding change: c.7375C>A on transcript NM_170606.3 (MANE Select); coding-DNA position 7375, C replaced by A.
Protein change: p.Pro2459Thr; replaces proline 2459 with threonine.
Molecular consequence: missense variant.
Genome position (GRCh38, 1-based): chr7:152,179,901, G>T on the plus strand (C>A on the coding strand, the complement: KMT2C is on the minus strand). VCF-style: chr7-152179901-G-T. GRCh37 (hg19) VCF-style: chr7-151876986-G-T.
Other names: short protein forms P2459T.
Identifiers: ClinVar variation 3358095 (VCV003358095.1).

ClinVar aggregate classification (germline): Uncertain significance (0 of 4 stars; one submission).

Conditions:
KMT2C-related disorder. Also called: KMT2C-related condition; KMT2C-related disorders.

gnomAD v4.1: 1 of 1,613,884 alleles (0.000062%); highest among the groups gnomAD compares: African/African-American, 0.0013%; no homozygotes.

Submission:

PreventionGenetics, part of Exact Sciences
Classification: Uncertain significance for KMT2C-related condition. Last evaluated: 2024-05-07. Review status: no assertion criteria provided. Collection method: clinical testing. Allele origin: germline.
Comment: The KMT2C c.7375C>A variant is predicted to result in the amino acid substitution p.Pro2459Thr. To our knowledge, this variant has not been reported in the literature or in a large population database, indicating this variant is rare. At this time, the clinical significance of this variant is uncertain due to the absence of conclusive functional and genetic evidence.